The following is an entry in ClinVar:

NM_017617.5(NOTCH1):c.38T>C (p.Leu13Pro)

Genes: NOTCH1 (notch receptor 1; minus strand), LOC130003020 (ATAC-STARR-seq lymphoblastoid silent region 20528; plus strand). Cytogenetic location: 9q34.3.
Variant type: single nucleotide variant.
Coding change: c.38T>C on transcript NM_017617.5 (MANE Select); coding-DNA position 38, T replaced by C.
Protein change: p.Leu13Pro; replaces leucine 13 with proline.
Molecular consequence: missense variant.
Genome position (GRCh38, 1-based): chr9:136,545,749, A>G on the plus strand (T>C on the coding strand, the complement: NOTCH1 is on the minus strand). VCF-style: chr9-136545749-A-G. GRCh37 (hg19) VCF-style: chr9-139440201-A-G.
Other names: short protein forms L13P.
Identifiers: ClinVar variation 4801902 (VCV004801902.1).

ClinVar aggregate classification (germline): Uncertain significance (1 of 4 stars; one submission).

Conditions:
Adams-Oliver syndrome 5 (AOS5). Identifiers: Orphanet 974, MedGen C4014970, MONDO:0014459, OMIM 616028.

Submission:

Labcorp Genetics (formerly Invitae), Labcorp
Classification: Uncertain significance for Adams-Oliver syndrome 5. Last evaluated: 2025-04-17. Review status: criteria provided, single submitter. Criteria: Invitae Variant Classification Sherloc (09022015). Collection method: clinical testing. Allele origin: germline.
Comment: This sequence change replaces leucine, which is neutral and non-polar, with proline, which is neutral and non-polar, at codon 13 of the NOTCH1 protein (p.Leu13Pro). This variant is not present in population databases (gnomAD no frequency). This variant has not been reported in the literature in individuals affected with NOTCH1-related conditions. Invitae Evidence Modeling of protein sequence and biophysical properties (such as structural, functional, and spatial information, amino acid conservation, physicochemical variation, residue mobility, and thermodynamic stability) indicates that this missense variant is not expected to disrupt NOTCH1 protein function with a negative predictive value of 95%. In summary, the available evidence is currently insufficient to determine the role of this variant in disease. Therefore, it has been classified as a Variant of Uncertain Significance.